The following is an entry in ClinVar:

NM_015046.7(SETX):c.1478C>T (p.Ala493Val)

Gene: SETX (senataxin; minus strand). Cytogenetic location: 9q34.13.
Variant type: single nucleotide variant.
Coding change: c.1478C>T on transcript NM_015046.7 (MANE Select); coding-DNA position 1478, C replaced by T.
Protein change: p.Ala493Val; replaces alanine 493 with valine.
Molecular consequence: missense variant.
Genome position (GRCh38, 1-based): chr9:132,330,120, G>A on the plus strand (C>T on the coding strand, the complement: SETX is on the minus strand). VCF-style: chr9-132330120-G-A. GRCh37 (hg19) VCF-style: chr9-135205507-G-A.
Other names: c.1478C>T, p.Ala493Val (NM_001351527.2, NM_001351528.2); short protein forms A493V.
Identifiers: ClinVar variation 4535249 (VCV004535249.6).
Genomic context (GRCh38, chr9:132,330,120, plus strand): 5'-TTGGAGCAATTTCCAGATGATTTCTCAGAACTCCGTGTAAACGCAGTGGTAGGAAGCTTG[G>A]CACATTTGACGACGGCTTCCACCCATTGCTGGGAACTTACCCACAGCAAATGCAAACATT-3'
Protein context (NP_055861.3, residues 483-503): QQWVEAVVKC[Ala493Val]KLPTTAFTRS

ClinVar aggregate classification (germline): Uncertain significance (1 of 4 stars; one submission).

gnomAD v4.1: 1 of 1,613,470 alleles (0.000062%); highest among the groups gnomAD compares: South Asian, 0.0011%; no homozygotes.

Submission:

CeGaT Center for Human Genetics Tuebingen
Classification: Uncertain significance. Last evaluated: 2025-11-01. Review status: criteria provided, single submitter. Criteria: CeGaT Center For Human Genetics Tuebingen Variant Classification Criteria Version 2. Collection method: clinical testing. Allele origin: germline. Affected: yes. Observed: 1 variant allele.
Comment: SETX: PM2